The following is an entry in ClinVar:

NM_001148.6(ANK2):c.8645C>T (p.Thr2882Ile)

Gene: ANK2 (ankyrin 2; plus strand). Cytogenetic location: 4q26.
Variant type: single nucleotide variant.
Coding change: c.8645C>T on transcript NM_001148.6 (MANE Select); coding-DNA position 8645, C replaced by T.
Protein change: p.Thr2882Ile; replaces threonine 2882 with isoleucine.
Molecular consequence: missense variant. On other transcripts: intron variant (68).
Genome position (GRCh38, 1-based): chr4:113,357,263, C>T. VCF-style: chr4-113357263-C-T. GRCh37 (hg19) VCF-style: chr4-114278419-C-T.
Other names: c.8411C>T, p.Thr2804Ile (NM_001386142.1); c.5045C>T, p.Thr1682Ile (NM_001386166.1); c.8786C>T, p.Thr2929Ile (NM_001386174.1); c.8762C>T, p.Thr2921Ile (NM_001386175.1); c.4412-3560C>T (NM_001386186.2, NM_001386148.2); c.4214-3560C>T (NM_001354269.3); c.4292-3560C>T (NM_001386187.2); c.4253-3560C>T (NM_001386147.1); and 35 more; short protein forms T2882I, T1682I, T2804I, T2921I, T2929I.
Identifiers: ClinVar variation 848425 (VCV000848425.11), dbSNP rs56222626, ClinGen allele CA3051803.
Genomic context (GRCh38, chr4:113,357,263, plus strand): 5'-ATGAAGACATATCTGCCACATCTTCTATTCAAAAAACAGAGGTCACAAAAACTGATGAAA[C>T]ATTTGAGAACTTACCAAAGGACTGCCCCTCTCAAGACTCATCCATTACTACTCAAACAGA-3'
Protein context (NP_001139.3, residues 2872-2892): QKTEVTKTDE[Thr2882Ile]FENLPKDCPS

ClinVar aggregate classification (germline): Conflicting classifications of pathogenicity. Review status: criteria provided, conflicting classifications (1 of 4 stars). 2 submissions from 2 submitters: Uncertain significance (1); Likely benign (1). Last evaluated 2025-05-04.

Conditions:
Long QT syndrome (LQTS). Identifiers: MedGen C0023976, MeSH D008133, MONDO:0002442. Disease mechanism: loss of function. Inheritance: Various modes of inheritance.
Cardiovascular phenotype. Identifiers: MedGen CN230736.

Allele frequency attached by ClinVar (database versions not stated): 1000 Genomes Project 0.00020; 1000 Genomes Project 30x 0.00031; gnomAD 0.00001; TOPMed 0.00001.
gnomAD v4.1: 9 of 1,614,016 alleles (0.00056%); highest among the groups gnomAD compares: Non-Finnish European, 0.00068%; no homozygotes.

Submissions (2):

Labcorp Genetics (formerly Invitae), Labcorp
Classification: Uncertain significance for Long QT syndrome. Last evaluated: 2025-05-04. Review status: criteria provided, single submitter. Criteria: Invitae Variant Classification Sherloc (09022015). Collection method: clinical testing. Allele origin: germline.
Comment: This sequence change replaces threonine, which is neutral and polar, with isoleucine, which is neutral and non-polar, at codon 2882 of the ANK2 protein (p.Thr2882Ile). This variant is present in population databases (rs56222626, gnomAD 0.0009%). This variant has not been reported in the literature in individuals affected with ANK2-related conditions. ClinVar contains an entry for this variant (Variation ID: 848425). An algorithm developed to predict the effect of missense changes on protein structure and function (PolyPhen-2) suggests that this variant is likely to be tolerated. In summary, the available evidence is currently insufficient to determine the role of this variant in disease. Therefore, it has been classified as a Variant of Uncertain Significance.

Ambry Genetics
Classification: Likely benign for Cardiovascular phenotype. Last evaluated: 2020-11-06. Review status: criteria provided, single submitter. Criteria: Ambry Variant Classification Scheme 2023. Collection method: clinical testing. Allele origin: germline.